The following is an entry in ClinVar:

NM_005612.5(REST):c.1701G>C (p.Glu567Asp)

Gene: REST (RE1 silencing transcription factor; plus strand). Cytogenetic location: 4q12.
Variant type: single nucleotide variant.
Coding change: c.1701G>C on transcript NM_005612.5 (MANE Select); coding-DNA position 1701, G replaced by C.
Protein change: p.Glu567Asp; replaces glutamic acid 567 with aspartic acid.
Molecular consequence: missense variant.
Genome position (GRCh38, 1-based): chr4:56,930,559, G>C. VCF-style: chr4-56930559-G-C. GRCh37 (hg19) VCF-style: chr4-57796725-G-C.
Other names: c.1701G>C, p.Glu567Asp (NM_001193508.2, NM_001363453.3); short protein forms E567D.
Identifiers: ClinVar variation 2444874 (VCV002444874.1), dbSNP rs1333702490, ClinGen allele CA357007220.
Genomic context (GRCh38, chr4:56,930,559, plus strand): 5'-AGAAAGCAAATCCAAAAATAATAGTCAGGAAGTGCCAAAGGGTGACAGCAAAGTGGAGGA[G>C]AATAAAAAGCAAAATACTTGCATGAAAAAAAGTACAAAGAAGAAAACTCTGAAAAATAAA-3'
Protein context (NP_005603.3, residues 557-577): EVPKGDSKVE[Glu567Asp]NKKQNTCMKK

ClinVar aggregate classification (germline): Uncertain significance (1 of 4 stars; one submission).

Conditions:
Wilms tumor 6 (WT6). Also called: WILMS TUMOR 6, SUSCEPTIBILITY TO. Identifiers: Orphanet 654, MedGen C3891301, MONDO:0014779, OMIM 616806.

Allele frequency attached by ClinVar (database versions not stated): gnomAD exomes below 0.00001.
gnomAD v4.1: 5 of 1,611,894 alleles (0.00031%); highest among the groups gnomAD compares: Non-Finnish European, 0.00042%; no homozygotes.

Submission:

St. Jude Molecular Pathology, St. Jude Children's Research Hospital
Classification: Uncertain significance for Wilms tumor 6. Last evaluated: 2023-02-02. Review status: criteria provided, single submitter. Criteria: St. Jude Assertion Criteria 2020. Collection method: clinical testing. Allele origin: germline.
Comment: The REST c.1701G>C (p.Glu567Asp) missense change is absent in gnomAD v2.1.1. The in silico tool REVEL predicts a benign effect on protein function, but to our knowledge this prediction has not been confirmed by functional studies. To our knowledge, this variant has not been reported in individuals with Wilms tumor.  In summary, the evidence currently available is insufficient to determine the clinical significance of this variant. It has therefore been classified as of uncertain significance.